The following is an entry in ClinVar:

ClinVar aggregate classification (germline): Uncertain significance (1 of 4 stars; one submission).

Conditions:
Spermatogenic failure 18. Identifiers: MedGen C4539783, MONDO:0054615, OMIM 617576.
Ciliary dyskinesia, primary, 37 (CILD37). Also called: CILIARY DYSKINESIA, PRIMARY, 37, WITH OR WITHOUT SITUS INVERSUS. Identifiers: MedGen C4539798, MONDO:0033204, OMIM 617577.

Allele frequency attached by ClinVar (database versions not stated): gnomAD exomes below 0.00001.
gnomAD v4.1: 1 of 1,613,130 alleles (0.000062%); highest among the groups gnomAD compares: Admixed American, 0.0017%; no homozygotes.

Submission:

Labcorp Genetics (formerly Invitae), Labcorp
Classification: Uncertain significance for Ciliary dyskinesia, primary, 37; Spermatogenic failure 18. Last evaluated: 2022-08-12. Review status: criteria provided, single submitter. Criteria: Invitae Variant Classification Sherloc (09022015). Collection method: clinical testing. Allele origin: germline.
Comment: In summary, the available evidence is currently insufficient to determine the role of this variant in disease. Therefore, it has been classified as a Variant of Uncertain Significance. Variants that disrupt the consensus splice site are a relatively common cause of aberrant splicing (PMID: 17576681, 9536098). Algorithms developed to predict the effect of sequence changes on RNA splicing suggest that this variant may create or strengthen a splice site. This variant has not been reported in the literature in individuals affected with DNAH1-related conditions. This variant is not present in population databases (gnomAD no frequency). This sequence change falls in intron 43 of the DNAH1 gene. It does not directly change the encoded amino acid sequence of the DNAH1 protein. It affects a nucleotide within the consensus splice site.

Literature cited by the submitters: PubMed 17576681; PubMed 9536098.

NM_015512.5(DNAH1):c.6827+6G>T

Gene: DNAH1 (dynein axonemal heavy chain 1; plus strand). Cytogenetic location: 3p21.1.
Variant type: single nucleotide variant.
Coding change: c.6827+6G>T on transcript NM_015512.5 (MANE Select); 6 bases into the intron after coding-DNA position 6827, G replaced by T.
Molecular consequence: intron variant.
Genome position (GRCh38, 1-based): chr3:52,372,393, G>T. VCF-style: chr3-52372393-G-T. GRCh37 (hg19) VCF-style: chr3-52406409-G-T.
Identifiers: ClinVar variation 1897614 (VCV001897614.5), dbSNP rs1482563846, ClinGen allele CA542905340.